The following is an entry in ClinVar:

NM_000245.4(MET):c.1067del (p.Pro356fs)

Gene: MET (MET proto-oncogene, receptor tyrosine kinase; plus strand). Cytogenetic location: 7q31.2.
Variant type: Deletion.
Coding change: c.1067del on transcript NM_000245.4 (MANE Select); coding-DNA position 1067, one base deleted (C; older notation c.1067delC).
Protein change: p.Pro356fs; shifts the reading frame from proline 356.
Molecular consequence: frameshift variant. On other transcripts: intron variant (1).
Genome position (GRCh38, 1-based): chr7:116,700,151, C deleted; the last of 2 consecutive C bases (chr7:116,700,150-116,700,151); deleting either gives the same sequence. VCF-style (leftmost placement, unchanged base first): chr7-116700149-AC-A. GRCh37 (hg19) VCF-style: chr7-116340203-AC-A.
Other names: c.1067del, p.Pro356fs (NM_001127500.3, NM_001324401.3); c.-91+27574del (NM_001324402.2); short protein forms P356fs.
Identifiers: ClinVar variation 1782236 (VCV001782236.3), dbSNP rs2485515948, ClinGen allele CA2580076343.

ClinVar aggregate classification (germline): Uncertain significance. Review status: criteria provided, multiple submitters, no conflicts (2 of 4 stars). 2 submissions from 2 submitters: Uncertain significance (2). Last evaluated 2024-01-17.

Conditions:
Arthrogryposis, distal, IIa 11. Also called: Arthrogryposis, distal, type 11. Identifiers: MedGen C5774205, MONDO:0031045, OMIM 620019.
Hepatocellular carcinoma (HCC). Also called: Primary carcinoma of liver; HEPATOMA; LIVER CELL CARCINOMA. Identifiers: Orphanet 88673, MedGen C2239176, MONDO:0007256, OMIM 114550, HP:0001402.
Osteofibrous dysplasia (OSFD). Also called: Tibia, bowing of, with pseudarthrosis and pectus excavatum. Identifiers: Orphanet 488265, MedGen C4085248, MONDO:0011806, OMIM 607278.
Papillary renal cell carcinoma type 1 (RCCP1). Also called: RENAL CELL CARCINOMA, PAPILLARY, 1, SOMATIC; Renal adenocarcinoma; Renal cell carcinoma 1; Renal cell carcinoma, somatic. Identifiers: Orphanet 47044, MedGen C1336839, OMIM 605074, HP:0011797.
Autosomal recessive nonsyndromic hearing loss 97. Also called: Deafness, autosomal recessive 97. Identifiers: Orphanet 90636, MedGen C4084709, MONDO:0014739, OMIM 616705.
Hereditary cancer-predisposing syndrome. Also called: Neoplastic Syndromes, Hereditary; Tumor predisposition; Hereditary Cancer Syndrome; Hereditary neoplastic syndrome. Identifiers: Orphanet 140162, MedGen C0027672, MeSH D009386, MONDO:0015356.

Submissions (2):

Fulgent Genetics
Classification: Uncertain significance for Hepatocellular carcinoma; Papillary renal cell carcinoma type 1; Osteofibrous dysplasia; Autosomal recessive nonsyndromic hearing loss 97; Arthrogryposis, distal, IIa 11. Last evaluated: 2024-01-17. Review status: criteria provided, single submitter. Criteria: ACMG Guidelines, 2015. Collection method: clinical testing. Allele origin: germline.

Ambry Genetics
Classification: Uncertain significance for Hereditary cancer-predisposing syndrome. Last evaluated: 2022-01-07. Review status: criteria provided, single submitter. Criteria: Ambry Variant Classification Scheme 2023. Collection method: clinical testing. Allele origin: germline.
Comment: The c.1067delC variant, located in coding exon 1 of the MET gene, results from a deletion of one nucleotide at nucleotide position 1067, causing a translational frameshift with a predicted alternate stop codon (p.P356Qfs*28). This alteration is expected to result in premature protein truncation or nonsense-mediated mRNA decay. However, loss of function of MET has not been clearly established as a mechanism of disease. Since supporting evidence is limited at this time, the clinical significance of this alteration remains unclear.